The following is an entry in ClinVar:

NM_004370.6(COL12A1):c.7724C>A (p.Pro2575His)

Gene: COL12A1 (collagen type XII alpha 1 chain; minus strand). Cytogenetic location: 6q13.
Variant type: single nucleotide variant.
Coding change: c.7724C>A on transcript NM_004370.6 (MANE Select); coding-DNA position 7724, C replaced by A.
Protein change: p.Pro2575His; replaces proline 2575 with histidine.
Molecular consequence: missense variant.
Genome position (GRCh38, 1-based): chr6:75,113,718, G>T on the plus strand (C>A on the coding strand, the complement: COL12A1 is on the minus strand). VCF-style: chr6-75113718-G-T. GRCh37 (hg19) VCF-style: chr6-75823434-G-T.
Other names: c.4232C>A, p.Pro1411His (NM_080645.3); short protein forms P2575H, P1411H.
Identifiers: ClinVar variation 940696 (VCV000940696.10), dbSNP rs1768945805, ClinGen allele CA364744442.

ClinVar aggregate classification (germline): Uncertain significance (1 of 4 stars; one submission).

Conditions:
Ullrich congenital muscular dystrophy 2 (UCMD2). Identifiers: Orphanet 75840, MedGen C4225314, MONDO:0014654, OMIM 616470.
Bethlem myopathy 2 (BTHLM2). Identifiers: Orphanet 536516, Orphanet 610, MedGen C4225313, MONDO:0034022, OMIM 616471.

Submission:

Labcorp Genetics (formerly Invitae), Labcorp
Classification: Uncertain significance for Bethlem myopathy 2; Ullrich congenital muscular dystrophy 2. Last evaluated: 2023-08-04. Review status: criteria provided, single submitter. Criteria: Invitae Variant Classification Sherloc (09022015). Collection method: clinical testing. Allele origin: germline.
Comment: This sequence change replaces proline, which is neutral and non-polar, with histidine, which is basic and polar, at codon 2575 of the COL12A1 protein (p.Pro2575His). This variant is not present in population databases (gnomAD no frequency). This variant has not been reported in the literature in individuals affected with COL12A1-related conditions. ClinVar contains an entry for this variant (Variation ID: 940696). Advanced modeling of protein sequence and biophysical properties (such as structural, functional, and spatial information, amino acid conservation, physicochemical variation, residue mobility, and thermodynamic stability) performed at Invitae indicates that this missense variant is not expected to disrupt COL12A1 protein function. In summary, the available evidence is currently insufficient to determine the role of this variant in disease. Therefore, it has been classified as a Variant of Uncertain Significance.